The following is an entry in ClinVar:

NM_016111.4(TELO2):c.1752G>A (p.Thr584=)

Gene: TELO2 (telomere maintenance 2; plus strand). Cytogenetic location: 16p13.3.
Variant type: single nucleotide variant.
Coding change: c.1752G>A on transcript NM_016111.4 (MANE Select); coding-DNA position 1752, G replaced by A.
Protein change: p.Thr584=; no amino-acid change (threonine 584 retained).
Molecular consequence: synonymous variant.
Genome position (GRCh38, 1-based): chr16:1,502,743, G>A. VCF-style: chr16-1502743-G-A. GRCh37 (hg19) VCF-style: chr16-1552744-G-A.
Other names: c.1752G>A, p.Thr584= (NM_001351846.2).
Identifiers: ClinVar variation 2645904 (VCV002645904.24), dbSNP rs761765138, ClinGen allele CA7812298.

ClinVar aggregate classification (germline): Likely benign (1 of 4 stars; one submission).

Allele frequency attached by ClinVar (database versions not stated): gnomAD 0.00001; ExAC 0.00002; TOPMed 0.00002.
gnomAD v4.1: 15 of 1,612,090 alleles (0.00093%); highest among the groups gnomAD compares: Admixed American, 0.0067%; no homozygotes.

Submission:

CeGaT Center for Human Genetics Tuebingen
Classification: Likely benign. Last evaluated: 2022-09-01. Review status: criteria provided, single submitter. Criteria: CeGaT Center For Human Genetics Tuebingen Variant Classification Criteria Version 2. Collection method: clinical testing. Allele origin: germline. Affected: yes. Observed: 1 variant allele.
Comment: TELO2: BP4, BP7